The following is an entry in ClinVar:

ClinVar aggregate classification (germline): Uncertain significance (1 of 4 stars; one submission).

gnomAD v4.1: 1 of 1,613,592 alleles (0.000062%); no homozygotes.

Submission:

Ambry Genetics
Classification: Uncertain significance. Last evaluated: 2024-12-13. Review status: criteria provided, single submitter. Criteria: Ambry Variant Classification Scheme 2023. Collection method: clinical testing. Allele origin: germline.
Comment: The p.S1300Y variant (also known as c.3899C>A), located in coding exon 35 of the KIF1B gene, results from a C to A substitution at nucleotide position 3899. The serine at codon 1300 is replaced by tyrosine, an amino acid with dissimilar properties. This amino acid position is conserved. In addition, this alteration is predicted to be tolerated by in silico analysis. Based on the available evidence, the clinical significance of this variant remains unclear.

NM_001365951.3(KIF1B):c.4037C>A (p.Ser1346Tyr)

Gene: KIF1B (kinesin family member 1B; plus strand). Cytogenetic location: 1p36.22.
Variant type: single nucleotide variant.
Coding change: c.4037C>A on transcript NM_001365951.3 (MANE Select); coding-DNA position 4037, C replaced by A.
Protein change: p.Ser1346Tyr; replaces serine 1346 with tyrosine.
Molecular consequence: missense variant.
Genome position (GRCh38, 1-based): chr1:10,352,718, C>A. VCF-style: chr1-10352718-C-A. GRCh37 (hg19) VCF-style: chr1-10412776-C-A.
Other names: c.4037C>A, p.Ser1346Tyr (NM_001365952.1); c.3899C>A, p.Ser1300Tyr (NM_015074.3); short protein forms S1300Y, S1346Y.
Identifiers: ClinVar variation 3864036 (VCV003864036.1).